The following is an entry in ClinVar:

Conditions:
Breast-ovarian cancer, familial, susceptibility to, 1 (BROVCA1). Also called: BRCA1 Hereditary Breast and Ovarian Cancer; OVARIAN CANCER, SUSCEPTIBILITY TO. Identifiers: Orphanet 145, MedGen C2676676, MONDO:0011450, OMIM 604370. Disease mechanism: loss of function.

Submission:

Brotman Baty Institute, University of Washington
No classification provided (evidence only). Condition: Breast-ovarian cancer, familial 1. Review status: no classification provided. Collection method: in vitro. Allele origin: not applicable. Functional consequence: functionally_normal.
ClinVar note: "not provided" was previously submitted as the classification for the variant. However, the classification appeared to be based only on an observation of functional data so it was converted to no classification on 2025-07-30.

NM_007294.4(BRCA1):c.5249A>T (p.Lys1750Met)

Gene: BRCA1 (BRCA1 DNA repair associated; minus strand). Cytogenetic location: 17q21.31.
Variant type: single nucleotide variant.
Coding change: c.5249A>T on transcript NM_007294.4 (MANE Select); coding-DNA position 5249, A replaced by T.
Protein change: p.Lys1750Met; replaces lysine 1750 with methionine.
Molecular consequence: missense variant. On other transcripts: non-coding transcript variant (1).
Genome position (GRCh38, 1-based): chr17:43,057,080, T>A on the plus strand (A>T on the coding strand, the complement: BRCA1 is on the minus strand). VCF-style: chr17-43057080-T-A. GRCh37 (hg19) VCF-style: chr17-41209097-T-A.
Other names: c.5036A>T, p.Lys1679Met (NM_001407571.1, NM_001407900.1, NM_001407902.1 and 12 more transcripts); c.5315A>T, p.Lys1772Met (NM_001407581.1, NM_001407582.1); c.5312A>T, p.Lys1771Met (NM_001407583.1, NM_001407585.1, NM_001407587.1 and 1 more transcripts); c.5246A>T, p.Lys1749Met (NM_001407610.1, NM_001407611.1, NM_001407612.1 and 17 more transcripts); c.5243A>T, p.Lys1748Met (NM_001407629.1, NM_001407630.1, NM_001407631.1 and 14 more transcripts); c.5189A>T, p.Lys1730Met (NM_001407649.1); c.5171A>T, p.Lys1724Met (NM_001407652.1, NM_001407653.1, NM_001407654.1 and 1 more transcripts); c.5168A>T, p.Lys1723Met (NM_001407656.1, NM_001407657.1, NM_001407658.1); and 72 more; short protein forms K1703M, K1771M, K646M, K1750M, K1454M, K1581M, K1623M, K1678M.
Identifiers: ClinVar variation 867278 (VCV000867278.3), dbSNP rs2051506626, ClinGen allele CA10591048.